The following is an entry in ClinVar:

NM_001077525.3(MTMR14):c.782G>A (p.Arg261Gln)

Gene: MTMR14 (myotubularin related protein 14; plus strand). Cytogenetic location: 3p25.3.
Variant type: single nucleotide variant.
Coding change: c.782G>A on transcript NM_001077525.3 (MANE Select); coding-DNA position 782, G replaced by A.
Protein change: p.Arg261Gln; replaces arginine 261 with glutamine.
Molecular consequence: missense variant. On other transcripts: non-coding transcript variant (6), intron variant (4).
Genome position (GRCh38, 1-based): chr3:9,677,347, G>A. VCF-style: chr3-9677347-G-A. GRCh37 (hg19) VCF-style: chr3-9719031-G-A.
Other names: c.782G>A, p.Arg261Gln (NM_001077526.3, NM_001400520.1, NM_001400523.1 and 2 more transcripts); c.851G>A, p.Arg284Gln (NM_001400518.1, NM_001400521.1, NM_001400526.1); c.779G>A, p.Arg260Gln (NM_001400519.1, NM_001400522.1); c.536G>A, p.Arg179Gln (NM_001400524.1, NM_001400527.1, NM_001400530.1 and 1 more transcripts); c.500G>A, p.Arg167Gln (NM_001400525.1, NM_001400529.1, NM_001400532.1 and 1 more transcripts); c.533G>A, p.Arg178Gln (NM_001400531.1); c.140G>A, p.Arg47Gln (NM_001400533.1, NM_001400534.1, NM_001400535.1 and 9 more transcripts); c.36+4589G>A (NM_001400547.1, NM_001400548.1, NM_001400544.1 and 1 more transcripts); and 1 more; short protein forms R167Q, R178Q, R260Q, R261Q, R179Q, R284Q, R47Q.
Identifiers: ClinVar variation 2080921 (VCV002080921.5), dbSNP rs2470752799, ClinGen allele CA351686559.

ClinVar aggregate classification (germline): Uncertain significance. Review status: criteria provided, multiple submitters, no conflicts (2 of 4 stars). 2 submissions from 2 submitters: Uncertain significance (2). Last evaluated 2025-10-02.

gnomAD v4.1: 7 of 1,614,010 alleles (0.00043%); highest among the groups gnomAD compares: Middle Eastern, 0.017%; no homozygotes.

Submissions (2):

Labcorp Genetics (formerly Invitae), Labcorp
Classification: Uncertain significance. Last evaluated: 2025-10-02. Review status: criteria provided, single submitter. Criteria: Invitae Variant Classification Sherloc (09022015). Collection method: clinical testing. Allele origin: germline.
Comment: This sequence change replaces arginine, which is basic and polar, with glutamine, which is neutral and polar, at codon 261 of the MTMR14 protein (p.Arg261Gln). This variant is not present in population databases (gnomAD no frequency). This variant has not been reported in the literature in individuals affected with MTMR14-related conditions. ClinVar contains an entry for this variant (Variation ID: 2080921). Invitae Evidence Modeling of protein sequence and biophysical properties (such as structural, functional, and spatial information, amino acid conservation, physicochemical variation, residue mobility, and thermodynamic stability) indicates that this missense variant is not expected to disrupt MTMR14 protein function with a negative predictive value of 80%. In summary, the available evidence is currently insufficient to determine the role of this variant in disease. Therefore, it has been classified as a Variant of Uncertain Significance.

Ambry Genetics
Classification: Uncertain significance. Last evaluated: 2025-09-10. Review status: criteria provided, single submitter. Criteria: Ambry Variant Classification Scheme 2023. Collection method: clinical testing. Allele origin: germline.